The following is an entry in ClinVar:

ClinVar aggregate classification (germline): Conflicting classifications of pathogenicity. Review status: criteria provided, conflicting classifications (1 of 4 stars). 6 submissions from 6 submitters: Uncertain significance (2); Likely benign (1). 3 of the submissions do not count toward it. Last evaluated 2024-11-25.

Conditions:
IFT172-related disorder. Also called: IFT172-related disorders; IFT172-related condition.
Retinitis pigmentosa 71 (RP71). Identifiers: Orphanet 791, MedGen C4225342, MONDO:0014618, OMIM 616394.
Short-rib thoracic dysplasia 10 with or without polydactyly (SRTD10). Identifiers: Orphanet 474, MedGen C3810175, MONDO:0014284, OMIM 615630.

Allele frequency attached by ClinVar (database versions not stated): TOPMed 0.00002; gnomAD 0.00003 and 0.00004; gnomAD exomes 0.00006; ExAC 0.00012.
gnomAD v4.1: 92 of 1,614,004 alleles (0.0057%); highest among the groups gnomAD compares: Middle Eastern, 0.12%; no homozygotes.

Submissions (6):

Labcorp Genetics (formerly Invitae), Labcorp
Classification: Uncertain significance for Retinitis pigmentosa 71; Short-rib thoracic dysplasia 10 with or without polydactyly. Last evaluated: 2024-11-25. Review status: criteria provided, single submitter. Criteria: Invitae Variant Classification Sherloc (09022015). Collection method: clinical testing. Allele origin: germline.
Comment: This sequence change falls in intron 22 of the IFT172 gene. It does not directly change the encoded amino acid sequence of the IFT172 protein. It affects a nucleotide within the consensus splice site. This variant is present in population databases (rs774328767, gnomAD 0.01%). This variant has not been reported in the literature in individuals affected with IFT172-related conditions. ClinVar contains an entry for this variant (Variation ID: 965483). Variants that disrupt the consensus splice site are a relatively common cause of aberrant splicing (PMID: 17576681, 9536098). Algorithms developed to predict the effect of sequence changes on RNA splicing suggest that this variant may disrupt the consensus splice site. In summary, the available evidence is currently insufficient to determine the role of this variant in disease. Therefore, it has been classified as a Variant of Uncertain Significance.

Blueprint Genetics
Classification: Likely benign. Last evaluated: 2024-07-05. Review status: criteria provided, single submitter. Criteria: ACMG Guidelines, 2015. Collection method: clinical testing. Allele origin: germline.

Breakthrough Genomics
Classification: Uncertain significance. Review status: criteria provided, single submitter. Criteria: ACMG Guidelines, 2015. Collection method: not provided. Allele origin: germline. Inheritance: Autosomal recessive inheritance. Affected: yes.

PreventionGenetics, part of Exact Sciences
Classification: Likely benign for IFT172-related condition. Last evaluated: 2019-05-08. Review status: no assertion criteria provided. Collection method: clinical testing. Allele origin: germline. Not counted in ClinVar's aggregate classification.
Comment: This variant is classified as likely benign based on ACMG/AMP sequence variant interpretation guidelines (Richards et al. 2015 PMID: 25741868, with internal and published modifications).

Clinical Genetics DNA and cytogenetics Diagnostics Lab, Erasmus MC, Erasmus Medical Center
Classification: Likely benign. Review status: no assertion criteria provided. Collection method: clinical testing. Allele origin: germline. Affected: yes. Study: VKGL Data-share Consensus. Not counted in ClinVar's aggregate classification.

Laboratory of Diagnostic Genome Analysis, Leiden University Medical Center (LUMC)
Classification: Likely benign. Review status: no assertion criteria provided. Collection method: clinical testing. Allele origin: germline. Affected: yes. Study: VKGL Data-share Consensus. Not counted in ClinVar's aggregate classification.

Literature cited by the submitters: PubMed 17576681 (cited by Labcorp Genetics (formerly Invitae), Labcorp); PubMed 9536098 (cited by Labcorp Genetics (formerly Invitae), Labcorp).

NM_015662.3(IFT172):c.2443-3C>T

Gene: IFT172 (intraflagellar transport 172; minus strand). Cytogenetic location: 2p23.3.
Variant type: single nucleotide variant.
Coding change: c.2443-3C>T on transcript NM_015662.3 (MANE Select); 3 bases into the intron before coding-DNA position 2443, C replaced by T.
Molecular consequence: intron variant.
Genome position (GRCh38, 1-based): chr2:27,461,096, G>A on the plus strand (C>T on the coding strand, the complement: IFT172 is on the minus strand). VCF-style: chr2-27461096-G-A. GRCh37 (hg19) VCF-style: chr2-27683963-G-A.
Identifiers: ClinVar variation 965483 (VCV000965483.11), dbSNP rs774328767, ClinGen allele CA1580300.
Genomic context (GRCh38, chr2:27,461,096, plus strand): 5'-TACGGTAGCACTCCAGGGCCTTCTGTGGATTGTGAATCTTCTCAAAGAGATCACCTGCCT[G>A]TTAACACATACCACATTACTATGATACCCCTACAACACAAAGAACTAAGTATTAGCTCCG-3'